The following is an entry in ClinVar:

NM_002900.3(RBP3):c.3629G>A (p.Gly1210Glu)

Gene: RBP3 (retinol binding protein 3; plus strand). Cytogenetic location: 10q11.22.
Variant type: single nucleotide variant.
Coding change: c.3629G>A on transcript NM_002900.3 (MANE Select); coding-DNA position 3629, G replaced by A.
Protein change: p.Gly1210Glu; replaces glycine 1210 with glutamic acid.
Molecular consequence: missense variant.
Genome position (GRCh38, 1-based): chr10:47,357,342, G>A. VCF-style: chr10-47357342-G-A. GRCh37 (hg19) VCF-style: chr10-48382020-C-T.
Other names: short protein forms G1210E.
Identifiers: ClinVar variation 2419023 (VCV002419023.6), dbSNP rs140740560, ClinGen allele CA376677729.
Genomic context (GRCh38, chr10:47,357,342, plus strand): 5'-TCACTATCCCCACGGCCCGTTCTGTGGGGGCCTCGGATGGCAGCTCCTGGGAAGGGGTGG[G>A]GGTGACACCCCATGTGGTTGTCCCTGCAGAAGAGGCTCTCGCCAGGGCCAAGGAGATGCT-3'
Protein context (NP_002891.1, residues 1200-1220): ASDGSSWEGV[Gly1210Glu]VTPHVVVPAE

ClinVar aggregate classification (germline): Uncertain significance (1 of 4 stars; one submission).

Allele frequency attached by ClinVar (database versions not stated): gnomAD 0.00001; gnomAD exomes 0.00002; TOPMed 0.00002; ESP Exome Variant Server 0.00008.

Submission:

Labcorp Genetics (formerly Invitae), Labcorp
Classification: Uncertain significance. Last evaluated: 2023-04-24. Review status: criteria provided, single submitter. Criteria: Invitae Variant Classification Sherloc (09022015). Collection method: clinical testing. Allele origin: germline.
Comment: In summary, the available evidence is currently insufficient to determine the role of this variant in disease. Therefore, it has been classified as a Variant of Uncertain Significance. An algorithm developed to predict the effect of missense changes on protein structure and function (PolyPhen-2) suggests that this variant is likely to be disruptive. ClinVar contains an entry for this variant (Variation ID: 2419023). This variant has not been reported in the literature in individuals affected with RBP3-related conditions. This variant is not present in population databases (gnomAD no frequency). This sequence change replaces glycine, which is neutral and non-polar, with glutamic acid, which is acidic and polar, at codon 1210 of the RBP3 protein (p.Gly1210Glu).